The following is an entry in ClinVar:

NM_001394372.1(BICRA):c.4668G>A (p.Arg1556=)

Gene: BICRA (BRD4 interacting chromatin remodeling complex associated protein; plus strand). Cytogenetic location: 19q13.33.
Variant type: single nucleotide variant.
Coding change: c.4668G>A on transcript NM_001394372.1 (MANE Select); coding-DNA position 4668, G replaced by A.
Protein change: p.Arg1556=; no amino-acid change (arginine 1556 retained).
Molecular consequence: synonymous variant.
Genome position (GRCh38, 1-based): chr19:47,702,400, G>A. VCF-style: chr19-47702400-G-A. GRCh37 (hg19) VCF-style: chr19-48205657-G-A.
Other names: c.4668G>A, p.Arg1556= (NM_015711.3).
Identifiers: ClinVar variation 2650191 (VCV002650191.24), dbSNP rs377111352, ClinGen allele CA9542482.

ClinVar aggregate classification (germline): Likely benign (1 of 4 stars; one submission).

Allele frequency attached by ClinVar (database versions not stated): gnomAD 0.00127; TOPMed 0.00148; ESP Exome Variant Server 0.00160; gnomAD exomes 0.00167; ExAC 0.00269; 1000 Genomes Project 0.00040; 1000 Genomes Project 30x 0.00078.
gnomAD v4.1: 2,476 of 1,515,642 alleles (0.16%); highest among the groups gnomAD compares: Admixed American, 0.23%; 5 homozygotes.

Submission:

CeGaT Center for Human Genetics Tuebingen
Classification: Likely benign. Last evaluated: 2026-01-01. Review status: criteria provided, single submitter. Criteria: CeGaT Center For Human Genetics Tuebingen Variant Classification Criteria Version 2. Collection method: clinical testing. Allele origin: germline. Affected: yes. Observed: 6 variant alleles.
Comment: BICRA: BP4, BP7